The following is an entry in ClinVar:

ClinVar aggregate classification (germline): Uncertain significance (1 of 4 stars; one submission).

Conditions:
Immunodeficiency 19 (IMD19). Also called: CD3-DELTA DEFICIENCY; SEVERE COMBINED IMMUNODEFICIENCY, T CELL-NEGATIVE, B CELL-POSITIVE, NK CELL-POSITIVE; SCID, T CELL-NEGATIVE, B CELL-POSITIVE, NK CELL-POSITIVE; IMMUNODEFICIENCY 19, SEVERE COMBINED. Identifiers: MedGen C3810147, MONDO:0014280, OMIM 615617.

Submission:

Labcorp Genetics (formerly Invitae), Labcorp
Classification: Uncertain significance for Immunodeficiency 19. Last evaluated: 2021-09-01. Review status: criteria provided, single submitter. Criteria: Invitae Variant Classification Sherloc (09022015). Collection method: clinical testing. Allele origin: germline.
Comment: This sequence change replaces glutamine with glutamic acid at codon 140 of the CD3D protein (p.Gln140Glu). The glutamine residue is highly conserved and there is a small physicochemical difference between glutamine and glutamic acid. This variant is not present in population databases (ExAC no frequency). This variant has not been reported in the literature in individuals affected with CD3D-related conditions. Algorithms developed to predict the effect of missense changes on protein structure and function are either unavailable or do not agree on the potential impact of this missense change (SIFT: "Deleterious"; PolyPhen-2: "Possibly Damaging"; Align-GVGD: "Class C0"). In summary, the available evidence is currently insufficient to determine the role of this variant in disease. Therefore, it has been classified as a Variant of Uncertain Significance.

NM_000732.6(CD3D):c.418C>G (p.Gln140Glu)

Gene: CD3D (CD3 delta subunit of T-cell receptor complex; minus strand). Cytogenetic location: 11q23.3.
Variant type: single nucleotide variant.
Coding change: c.418C>G on transcript NM_000732.6 (MANE Select); coding-DNA position 418, C replaced by G.
Protein change: p.Gln140Glu; replaces glutamine 140 with glutamic acid.
Molecular consequence: missense variant.
Genome position (GRCh38, 1-based): chr11:118,339,483, G>C on the plus strand (C>G on the coding strand, the complement: CD3D is on the minus strand). VCF-style: chr11-118339483-G-C. GRCh37 (hg19) VCF-style: chr11-118210198-G-C.
Other names: c.286C>G, p.Gln96Glu (NM_001040651.2); short protein forms Q96E, Q140E.
Identifiers: ClinVar variation 1395852 (VCV001395852.5), dbSNP rs201126605, ClinGen allele CA382787926.